The following is an entry in ClinVar:

NM_000180.4(GUCY2D):c.2743A>G (p.Ile915Val)

Gene: GUCY2D (guanylate cyclase 2D, retinal; plus strand). Cytogenetic location: 17p13.1.
Variant type: single nucleotide variant.
Coding change: c.2743A>G on transcript NM_000180.4 (MANE Select); coding-DNA position 2743, A replaced by G.
Protein change: p.Ile915Val; replaces isoleucine 915 with valine.
Molecular consequence: missense variant.
Genome position (GRCh38, 1-based): chr17:8,015,025, A>G. VCF-style: chr17-8015025-A-G. GRCh37 (hg19) VCF-style: chr17-7918343-A-G.
Other names: short protein forms I915V.
Identifiers: ClinVar variation 1378225 (VCV001378225.4), dbSNP rs1189392055, ClinGen allele CA397954228.

ClinVar aggregate classification (germline): Uncertain significance. Review status: criteria provided, multiple submitters, no conflicts (2 of 4 stars). 2 submissions from 2 submitters: Uncertain significance (2). Last evaluated 2024-01-10.

Conditions:
Leber congenital amaurosis 1 (LCA1). Also called: Congenital absence of the rods and cones; Leber's congenital tapetoretinal degeneration; Leber's congenital tapetoretinal dysplasia; RETINAL BLINDNESS, CONGENITAL; AMAUROSIS CONGENITA OF LEBER I. Identifiers: Orphanet 65, MedGen C2931258, MONDO:0008764, OMIM 204000.
Cone-rod dystrophy 6 (CORD6). Also called: Cone dystrophy progressive; RETINAL CONE DYSTROPHY 2. Identifiers: Orphanet 1872, MedGen C1866293, MONDO:0011143, OMIM 601777.

Allele frequency attached by ClinVar (database versions not stated): gnomAD exomes below 0.00001 and 0.00001; gnomAD 0.00001 and 0.00002; TOPMed 0.00002.
gnomAD v4.1: 16 of 1,613,840 alleles (0.00099%); highest among the groups gnomAD compares: Non-Finnish European, 0.0013%; no homozygotes.

Submissions (2):

Blueprint Genetics
Classification: Uncertain significance. Last evaluated: 2024-01-10. Review status: criteria provided, single submitter. Criteria: ACMG Guidelines, 2015. Collection method: clinical testing. Allele origin: germline.

Labcorp Genetics (formerly Invitae), Labcorp
Classification: Uncertain significance for Leber congenital amaurosis 1; Cone-rod dystrophy 6. Last evaluated: 2022-03-09. Review status: criteria provided, single submitter. Criteria: Invitae Variant Classification Sherloc (09022015). Collection method: clinical testing. Allele origin: germline.
Comment: This sequence change replaces isoleucine, which is neutral and non-polar, with valine, which is neutral and non-polar, at codon 915 of the GUCY2D protein (p.Ile915Val). This variant is present in population databases (no rsID available, gnomAD 0.0009%). This missense change has been observed in individual(s) with Leber congenital amaurosis (PMID: 21153841). Algorithms developed to predict the effect of missense changes on protein structure and function (SIFT, PolyPhen-2, Align-GVGD) all suggest that this variant is likely to be disruptive. In summary, the available evidence is currently insufficient to determine the role of this variant in disease. Therefore, it has been classified as a Variant of Uncertain Significance.

Literature cited by the submitters: PubMed 21153841 (cited by Labcorp Genetics (formerly Invitae), Labcorp).